The following is an entry in ClinVar:

NM_152464.3(VMA12):c.36G>A (p.Val12=)

Gene: VMA12 (vacuolar ATPase assembly factor VMA12; plus strand). Cytogenetic location: 17q11.2.
Variant type: single nucleotide variant.
Coding change: c.36G>A on transcript NM_152464.3 (MANE Select); coding-DNA position 36, G replaced by A.
Protein change: p.Val12=; no amino-acid change (valine 12 retained).
Molecular consequence: synonymous variant.
Genome position (GRCh38, 1-based): chr17:28,357,706, G>A. VCF-style: chr17-28357706-G-A. GRCh37 (hg19) VCF-style: chr17-26684729-G-A.
Identifiers: ClinVar variation 751242 (VCV000751242.11), dbSNP rs781939580, ClinGen allele CA8456923.

ClinVar aggregate classification (germline): Conflicting classifications of pathogenicity. Review status: criteria provided, conflicting classifications (1 of 4 stars). 3 submissions from 3 submitters: Uncertain significance (1); Likely benign (1). 1 of the submissions does not count toward it. Last evaluated 2023-07-22.

Conditions:
TMEM199-related disorder. Also called: TMEM199-related condition.

Allele frequency attached by ClinVar (database versions not stated): TOPMed 0.00004; ExAC 0.00006; gnomAD 0.00019.
gnomAD v4.1: 45 of 1,612,998 alleles (0.0028%); highest among the groups gnomAD compares: Admixed American, 0.023%; no homozygotes.

Submissions (3):

Labcorp Genetics (formerly Invitae), Labcorp
Classification: Likely benign. Last evaluated: 2023-07-22. Review status: criteria provided, single submitter. Criteria: Invitae Variant Classification Sherloc (09022015). Collection method: clinical testing. Allele origin: germline.

GeneDx
Classification: Uncertain significance. Last evaluated: 2019-10-30. Review status: criteria provided, single submitter. Criteria: GeneDx Variant Classification Process June 2021. Collection method: clinical testing. Allele origin: germline. Affected: yes.
Comment: Not observed at a significant frequency in large population cohorts (Lek et al., 2016); Has not been previously published as pathogenic or benign to our knowledge; In silico analysis, which includes splice predictors and evolutionary conservation, suggests this variant may impact gene splicing. In the absence of RNA/functional studies, the actual effect of this sequence change is unknown.

PreventionGenetics, part of Exact Sciences
Classification: Likely benign for TMEM199-related condition. Last evaluated: 2020-09-03. Review status: no assertion criteria provided. Collection method: clinical testing. Allele origin: germline. Not counted in ClinVar's aggregate classification.
Comment: This variant is classified as likely benign based on ACMG/AMP sequence variant interpretation guidelines (Richards et al. 2015 PMID: 25741868, with internal and published modifications).